The following is an entry in ClinVar:

ClinVar aggregate classification (germline): Uncertain significance. Review status: criteria provided, multiple submitters, no conflicts (2 of 4 stars). 2 submissions from 2 submitters: Uncertain significance (2). Last evaluated 2025-05-14.

Conditions:
Charcot-Marie-Tooth disease type 2. Also called: Charcot-Marie-Tooth type 2. Identifiers: Orphanet 64746, MedGen C0270914, MONDO:0018993.

Allele frequency attached by ClinVar (database versions not stated): TOPMed 0.00001; gnomAD 0.00001; gnomAD exomes below 0.00001.
gnomAD v4.1: 6 of 1,613,580 alleles (0.00037%); highest among the groups gnomAD compares: African/African-American, 0.008%; no homozygotes.

Submissions (2):

Women's Health and Genetics/Laboratory Corporation of America, LabCorp
Classification: Uncertain significance. Last evaluated: 2025-05-14. Review status: criteria provided, single submitter. Criteria: LabCorp Variant Classification Summary - May 2015. Collection method: clinical testing. Allele origin: germline.
Comment: Variant summary: AARS1 c.1347+14A>T alters a nucleotide located at a position not widely known to affect splicing. Several computational tools predict a significant impact on normal splicing: Four predict the variant creates a cryptic 5' donor site. However, these predictions have yet to be confirmed by functional studies. The variant was absent in 1613580 control chromosomes. The available data on variant occurrences in the general population are insufficient to allow any conclusion about variant significance. To our knowledge, no occurrence of c.1347+14A>T in individuals affected with Developmental and epileptic encephalopathy, 29 and no experimental evidence demonstrating its impact on protein function have been reported. ClinVar contains an entry for this variant (Variation ID: 1682234). Based on the evidence outlined above, the variant was classified as uncertain significance.

Labcorp Genetics (formerly Invitae), Labcorp
Classification: Uncertain significance for Charcot-Marie-Tooth disease type 2. Last evaluated: 2025-03-19. Review status: criteria provided, single submitter. Criteria: Invitae Variant Classification Sherloc (09022015). Collection method: clinical testing. Allele origin: germline.
Comment: This sequence change falls in intron 10 of the AARS gene. It does not directly change the encoded amino acid sequence of the AARS protein. This variant is present in population databases (no rsID available, gnomAD 0.01%). This variant has not been reported in the literature in individuals affected with AARS-related conditions. ClinVar contains an entry for this variant (Variation ID: 1682234). Algorithms developed to predict the effect of sequence changes on RNA splicing suggest that this variant may create or strengthen a splice site. In summary, the available evidence is currently insufficient to determine the role of this variant in disease. Therefore, it has been classified as a Variant of Uncertain Significance.

NM_001605.3(AARS1):c.1347+14A>T

Gene: AARS1 (alanyl-tRNA synthetase 1; minus strand). Cytogenetic location: 16q22.1.
Variant type: single nucleotide variant.
Coding change: c.1347+14A>T on transcript NM_001605.3 (MANE Select); 14 bases into the intron after coding-DNA position 1347, A replaced by T.
Molecular consequence: intron variant.
Genome position (GRCh38, 1-based): chr16:70,265,524, T>A on the plus strand (A>T on the coding strand, the complement: AARS1 is on the minus strand). VCF-style: chr16-70265524-T-A. GRCh37 (hg19) VCF-style: chr16-70299427-T-A.
Identifiers: ClinVar variation 1682234 (VCV001682234.9), dbSNP rs915904032, ClinGen allele CA283436009.